The following is an entry in ClinVar:

ClinVar aggregate classification (germline): Likely pathogenic. Review status: criteria provided, multiple submitters, no conflicts (2 of 4 stars). 2 submissions from 2 submitters: Likely pathogenic (2). Last evaluated 2023-03-02.

Conditions:
Autosomal recessive limb-girdle muscular dystrophy type 2J (LGMDR10). Also called: Limb-girdle muscular dystrophy, type 2J; MUSCULAR DYSTROPHY, LIMB-GIRDLE, AUTOSOMAL RECESSIVE 10. Identifiers: Orphanet 140922, MedGen C1837342, MONDO:0012127, OMIM 608807.
Dilated cardiomyopathy 1G (CMD1G). Identifiers: Orphanet 154, MedGen C1858763, MONDO:0011400, OMIM 604145.
Cardiomyopathy (CMYO). Also called: Cardiomyopathies. Identifiers: Orphanet 167848, MedGen C0878544, MONDO:0004994, HP:0001638. Inheritance: Various modes of inheritance.

Submissions (2):

Labcorp Genetics (formerly Invitae), Labcorp
Classification: Likely pathogenic for Dilated cardiomyopathy 1G; Autosomal recessive limb-girdle muscular dystrophy type 2J. Last evaluated: 2023-03-02. Review status: criteria provided, single submitter. Criteria: Invitae Variant Classification Sherloc (09022015). Collection method: clinical testing. Allele origin: germline.
Comment: In summary, the currently available evidence indicates that the variant is pathogenic, but additional data are needed to prove that conclusively. Therefore, this variant has been classified as Likely Pathogenic. This variant is located in the A band of TTN (PMID: 25589632). Truncating variants in this region are significantly overrepresented in patients affected with dilated cardiomyopathy (PMID: 25589632). Truncating variants in this region have also been reported in individuals affected with autosomal recessive centronuclear myopathy (PMID: 23975875). ClinVar contains an entry for this variant (Variation ID: 915677). This variant has not been reported in the literature in individuals affected with TTN-related conditions. This variant is not present in population databases (gnomAD no frequency). This sequence change creates a premature translational stop signal (p.Asn31692Lysfs*16) in the TTN gene. While this is not anticipated to result in nonsense mediated decay, it is expected to create a truncated TTN protein.

CHEO Genetics Diagnostic Laboratory, Children's Hospital of Eastern Ontario
Classification: Likely pathogenic for Cardiomyopathy. Last evaluated: 2018-10-16. Review status: criteria provided, single submitter. Criteria: ACMG Guidelines, 2015. Collection method: clinical testing. Allele origin: germline.

Literature cited by the submitters: PubMed 25589632 (cited by Labcorp Genetics (formerly Invitae), Labcorp); PubMed 23975875 (cited by Labcorp Genetics (formerly Invitae), Labcorp).

NM_001267550.2(TTN):c.95075dup (p.Asn31692fs)

Genes: TTN-AS1 (TTN antisense RNA 1; plus strand), TTN (titin; minus strand). Cytogenetic location: 2q31.2.
Variant type: Duplication.
Coding change: c.95075dup on transcript NM_001267550.2 (MANE Select); coding-DNA position 95075, one base duplicated (A; older notation c.95075dupA).
Protein change: p.Asn31692fs; shifts the reading frame from asparagine 31692.
Molecular consequence: frameshift variant.
Genome position (GRCh38, 1-based): chr2:178,546,256, T duplicated on the plus strand (A on the coding strand, the reverse complement: TTN is on the minus strand); the first of 5 consecutive T bases (chr2:178,546,256-178,546,260); duplicating any one gives the same sequence. VCF-style (leftmost placement, unchanged base first): chr2-178546255-A-AT. GRCh37 (hg19) VCF-style: chr2-179410982-A-AT.
Other names: c.90152dup, p.Asn30051fs (NM_001256850.1); c.67880dup, p.Asn22627fs (NM_003319.4); c.87371dup, p.Asn29124fs (NM_133378.4); c.68255dup, p.Asn22752fs (NM_133432.3); c.68456dup, p.Asn22819fs (NM_133437.4); short protein forms N22752fs, N30051fs, N22819fs, N29124fs, N22627fs, N31692fs.
Identifiers: ClinVar variation 915677 (VCV000915677.5), dbSNP rs1697077852, ClinGen allele CA1139657410.